The following is an entry in ClinVar:

NM_017934.7(PHIP):c.3609A>G (p.Pro1203=)

Genes: IRAK1BP1 (interleukin 1 receptor associated kinase 1 binding protein 1; plus strand), PHIP (PHIP subunit of CUL4-Ring ligase complex; minus strand). Cytogenetic location: 6q14.1.
Variant type: single nucleotide variant.
Coding change: c.3609A>G on transcript NM_017934.7 (MANE Select); coding-DNA position 3609, A replaced by G.
Protein change: p.Pro1203=; no amino-acid change (proline 1203 retained).
Molecular consequence: synonymous variant.
Genome position (GRCh38, 1-based): chr6:78,961,737, T>C on the plus strand (A>G on the coding strand, the complement: PHIP is on the minus strand). VCF-style: chr6-78961737-T-C. GRCh37 (hg19) VCF-style: chr6-79671454-T-C.
Identifiers: ClinVar variation 3348626 (VCV003348626.1).

ClinVar aggregate classification (germline): Likely benign (0 of 4 stars; one submission).

Conditions:
PHIP-related disorder. Also called: PHIP-related condition; PHIP-related disorders.

gnomAD v4.1: 12 of 1,612,664 alleles (0.00074%); highest among the groups gnomAD compares: Non-Finnish European, 0.001%; no homozygotes.

Submission:

PreventionGenetics, part of Exact Sciences
Classification: Likely benign for PHIP-related condition. Last evaluated: 2024-01-22. Review status: no assertion criteria provided. Collection method: clinical testing. Allele origin: germline.
Comment: This variant is classified as likely benign based on ACMG/AMP sequence variant interpretation guidelines (Richards et al. 2015 PMID: 25741868, with internal and published modifications).